The following is an entry in ClinVar:

ClinVar aggregate classification (germline): Uncertain significance (1 of 4 stars; one submission).

Submission:

Women's Health and Genetics/Laboratory Corporation of America, LabCorp
Classification: Uncertain significance. Last evaluated: 2023-10-19. Review status: criteria provided, single submitter. Criteria: LabCorp Variant Classification Summary - May 2015. Collection method: clinical testing. Allele origin: germline.
Comment: Variant summary: DNM1L c.1582G>A (p.Val528Ile) results in a conservative amino acid change in the encoded protein sequence. Four of five in-silico tools predict a benign effect of the variant on protein function. The variant was absent in 251208 control chromosomes. The available data on variant occurrences in the general population are insufficient to allow any conclusion about variant significance. To our knowledge, no occurrence of c.1582G>A in individuals affected with Encephalopathy, Lethal, Due To Defective Mitochondrial Peroxisomal Fission 1, Autosomal Recessive and no experimental evidence demonstrating its impact on protein function have been reported. No submitters have cited clinical-significance assessments for this variant to ClinVar after 2014. Based on the evidence outlined above, the variant was classified as uncertain significance.

NM_012062.5(DNM1L):c.1582G>A (p.Val528Ile)

Gene: DNM1L (dynamin 1 like; plus strand). Cytogenetic location: 12p11.21.
Variant type: single nucleotide variant.
Coding change: c.1582G>A on transcript NM_012062.5 (MANE Select); coding-DNA position 1582, G replaced by A.
Protein change: p.Val528Ile; replaces valine 528 with isoleucine.
Molecular consequence: missense variant.
Genome position (GRCh38, 1-based): chr12:32,737,147, G>A. VCF-style: chr12-32737147-G-A. GRCh37 (hg19) VCF-style: chr12-32890081-G-A.
Other names: c.1582G>A, p.Val528Ile (NM_001278463.2, NM_005690.5, NM_012063.4); c.1621G>A, p.Val541Ile (NM_001278464.2, NM_001278465.2, NM_001330380.2); c.973G>A, p.Val325Ile (NM_001278466.2); short protein forms V325I, V528I, V541I.
Identifiers: ClinVar variation 2637824 (VCV002637824.1), dbSNP rs778877877, ClinGen allele CA384360750.
Genomic context (GRCh38, chr12:32,737,147, plus strand): 5'-TTTGCTTGTGTTTCTTAGGAACAAAGGAGAAACAGGCTAGCCAGAGAATTACCTTCAGCT[G>A]TATCACGAGACAAGGTAAAAAAATGTTTTTAATGCATATTCCCAATACCTAAAGATAGAT-3'
Protein context (NP_036192.2, residues 518-538): NRLARELPSA[Val528Ile]SRDKSSKVPS